The following is an entry in ClinVar:

ClinVar aggregate classification (germline): Uncertain significance (1 of 4 stars; one submission).

Submission:

Labcorp Genetics (formerly Invitae), Labcorp
Classification: Uncertain significance. Last evaluated: 2022-06-27. Review status: criteria provided, single submitter. Criteria: Invitae Variant Classification Sherloc (09022015). Collection method: clinical testing. Allele origin: germline.
Comment: This variant is not present in population databases (gnomAD no frequency). In summary, the available evidence is currently insufficient to determine the role of this variant in disease. Therefore, it has been classified as a Variant of Uncertain Significance. Algorithms developed to predict the effect of missense changes on protein structure and function (SIFT, PolyPhen-2, Align-GVGD) all suggest that this variant is likely to be tolerated. This variant has not been reported in the literature in individuals affected with ZSWIM6-related conditions. This sequence change replaces leucine, which is neutral and non-polar, with arginine, which is basic and polar, at codon 539 of the ZSWIM6 protein (p.Leu539Arg).

NM_020928.2(ZSWIM6):c.1616T>G (p.Leu539Arg)

Gene: ZSWIM6 (zinc finger SWIM-type containing 6; plus strand). Cytogenetic location: 5q12.1.
Variant type: single nucleotide variant.
Coding change: c.1616T>G on transcript NM_020928.2 (MANE Select); coding-DNA position 1616, T replaced by G.
Protein change: p.Leu539Arg; replaces leucine 539 with arginine.
Molecular consequence: missense variant.
Genome position (GRCh38, 1-based): chr5:61,525,902, T>G. VCF-style: chr5-61525902-T-G. GRCh37 (hg19) VCF-style: chr5-60821729-T-G.
Other names: short protein forms L539R.
Identifiers: ClinVar variation 1464523 (VCV001464523.8), dbSNP rs2112268192, ClinGen allele CA359943467.